The following is an entry in ClinVar:

ClinVar aggregate classification (germline): Uncertain significance (1 of 4 stars; one submission).

Submission:

Labcorp Genetics (formerly Invitae), Labcorp
Classification: Uncertain significance. Last evaluated: 2025-05-27. Review status: criteria provided, single submitter. Criteria: Invitae Variant Classification Sherloc (09022015). Collection method: clinical testing. Allele origin: germline.
Comment: This sequence change replaces glutamic acid, which is acidic and polar, with aspartic acid, which is acidic and polar, at codon 1507 of the PIEZO2 protein (p.Glu1507Asp). This variant is not present in population databases (gnomAD no frequency). This variant has not been reported in the literature in individuals affected with PIEZO2-related conditions. ClinVar contains an entry for this variant (Variation ID: 3641772). Invitae Evidence Modeling of protein sequence and biophysical properties (such as structural, functional, and spatial information, amino acid conservation, physicochemical variation, residue mobility, and thermodynamic stability) indicates that this missense variant is not expected to disrupt PIEZO2 protein function with a negative predictive value of 80%. In summary, the available evidence is currently insufficient to determine the role of this variant in disease. Therefore, it has been classified as a Variant of Uncertain Significance.

NM_001378183.1(PIEZO2):c.4596A>T (p.Glu1532Asp)

Gene: PIEZO2 (piezo type mechanosensitive ion channel component 2; minus strand). Cytogenetic location: 18p11.22.
Variant type: single nucleotide variant.
Coding change: c.4596A>T on transcript NM_001378183.1 (MANE Select); coding-DNA position 4596, A replaced by T.
Protein change: p.Glu1532Asp; replaces glutamic acid 1532 with aspartic acid.
Molecular consequence: missense variant.
Genome position (GRCh38, 1-based): chr18:10,742,534, T>A on the plus strand (A>T on the coding strand, the complement: PIEZO2 is on the minus strand). VCF-style: chr18-10742534-T-A. GRCh37 (hg19) VCF-style: chr18-10742532-T-A.
Other names: c.4596A>T, p.Glu1532Asp (NM_001410871.1); c.4521A>T, p.Glu1507Asp (NM_022068.4); short protein forms E1532D, E1507D.
Identifiers: ClinVar variation 3641772 (VCV003641772.2).